The following is an entry in ClinVar:

NM_004539.4(NARS1):c.904T>C (p.Leu302=)

Gene: NARS1 (asparaginyl-tRNA synthetase 1; minus strand). Cytogenetic location: 18q21.31.
Variant type: single nucleotide variant.
Coding change: c.904T>C on transcript NM_004539.4 (MANE Select); coding-DNA position 904, T replaced by C.
Protein change: p.Leu302=; no amino-acid change (leucine 302 retained).
Molecular consequence: synonymous variant.
Genome position (GRCh38, 1-based): chr18:57,607,231, A>G on the plus strand (T>C on the coding strand, the complement: NARS1 is on the minus strand). VCF-style: chr18-57607231-A-G. GRCh37 (hg19) VCF-style: chr18-55274463-A-G.
Identifiers: ClinVar variation 2571018 (VCV002571018.27), dbSNP rs750878740, ClinGen allele CA8973571.

ClinVar aggregate classification (germline): Likely benign (1 of 4 stars; one submission).

Allele frequency attached by ClinVar (database versions not stated): gnomAD exomes 0.00003; gnomAD 0.00004; TOPMed 0.00006; ExAC 0.00009.
gnomAD v4.1: 46 of 1,614,046 alleles (0.0028%); highest among the groups gnomAD compares: Middle Eastern, 0.049%; no homozygotes.

Submission:

CeGaT Center for Human Genetics Tuebingen
Classification: Likely benign. Last evaluated: 2026-02-01. Review status: criteria provided, single submitter. Criteria: CeGaT Center For Human Genetics Tuebingen Variant Classification Criteria Version 2. Collection method: clinical testing. Allele origin: germline. Affected: yes. Observed: 2 variant alleles.
Comment: NARS1: BP4, BP7